The following is an entry in ClinVar:

ClinVar aggregate classification (germline): Uncertain significance (1 of 4 stars; one submission).

Allele frequency attached by ClinVar (database versions not stated): gnomAD 0.00001; gnomAD exomes 0.00001; TOPMed 0.00001.
gnomAD v4.1: 23 of 1,614,026 alleles (0.0014%); highest among the groups gnomAD compares: Non-Finnish European, 0.0019%; no homozygotes.

Submission:

Labcorp Genetics (formerly Invitae), Labcorp
Classification: Uncertain significance. Last evaluated: 2022-03-12. Review status: criteria provided, single submitter. Criteria: Invitae Variant Classification Sherloc (09022015). Collection method: clinical testing. Allele origin: germline.
Comment: This variant has not been reported in the literature in individuals affected with NCSTN-related conditions. This sequence change replaces lysine, which is basic and polar, with threonine, which is neutral and polar, at codon 403 of the NCSTN protein (p.Lys403Thr). This variant is not present in population databases (gnomAD no frequency). Algorithms developed to predict the effect of missense changes on protein structure and function (SIFT, PolyPhen-2, Align-GVGD) all suggest that this variant is likely to be tolerated. In summary, the available evidence is currently insufficient to determine the role of this variant in disease. Therefore, it has been classified as a Variant of Uncertain Significance.

NM_015331.3(NCSTN):c.1208A>C (p.Lys403Thr)

Gene: NCSTN (nicastrin; plus strand). Cytogenetic location: 1q23.2.
Variant type: single nucleotide variant.
Coding change: c.1208A>C on transcript NM_015331.3 (MANE Select); coding-DNA position 1208, A replaced by C.
Protein change: p.Lys403Thr; replaces lysine 403 with threonine.
Molecular consequence: missense variant.
Genome position (GRCh38, 1-based): chr1:160,354,146, A>C. VCF-style: chr1-160354146-A-C. GRCh37 (hg19) VCF-style: chr1-160323936-A-C.
Other names: c.1148A>C, p.Lys383Thr (NM_001290184.2); c.794A>C, p.Lys265Thr (NM_001290186.2); c.1208A>C, p.Lys403Thr (NM_001349729.2); short protein forms K265T, K383T, K403T.
Identifiers: ClinVar variation 1981884 (VCV001981884.4), dbSNP rs200966051, ClinGen allele CA31539824.